The following is an entry in ClinVar:

NM_005996.4(TBX3):c.1349C>T (p.Ala450Val)

Gene: TBX3 (T-box transcription factor 3; minus strand). Cytogenetic location: 12q24.21.
Variant type: single nucleotide variant.
Coding change: c.1349C>T on transcript NM_005996.4 (MANE Select); coding-DNA position 1349, C replaced by T.
Protein change: p.Ala450Val; replaces alanine 450 with valine.
Molecular consequence: missense variant.
Genome position (GRCh38, 1-based): chr12:114,674,526, G>A on the plus strand (C>T on the coding strand, the complement: TBX3 is on the minus strand). VCF-style: chr12-114674526-G-A. GRCh37 (hg19) VCF-style: chr12-115112331-G-A.
Other names: c.1409C>T, p.Ala470Val (NM_016569.4); short protein forms A450V, A470V.
Identifiers: ClinVar variation 2634466 (VCV002634466.4), dbSNP rs924154861, ClinGen allele CA244143638.

ClinVar aggregate classification (germline): Uncertain significance. Review status: criteria provided, single submitter (1 of 4 stars). 2 submissions from 2 submitters: Uncertain significance (1). 1 of the submissions does not count toward it. Last evaluated 2024-09-23.

Conditions:
TBX3-related disorder. Also called: TBX3-related condition.
Ulnar-mammary syndrome (UMS). Also called: Ulnar-mammary syndrome of Pallister; PALLISTER ULNAR-MAMMARY SYNDROME; SCHINZEL SYNDROME. Identifiers: Orphanet 3138, MedGen C1866994, MONDO:0008411, OMIM 181450.

Allele frequency attached by ClinVar (database versions not stated): gnomAD exomes below 0.00001; gnomAD 0.00001; TOPMed 0.00003.
gnomAD v4.1: 11 of 1,520,088 alleles (0.00072%); highest among the groups gnomAD compares: Admixed American, 0.0065%; no homozygotes.

Submissions (2):

Labcorp Genetics (formerly Invitae), Labcorp
Classification: Uncertain significance for Ulnar-mammary syndrome. Last evaluated: 2024-09-23. Review status: criteria provided, single submitter. Criteria: Invitae Variant Classification Sherloc (09022015). Collection method: clinical testing. Allele origin: germline.
Comment: This sequence change replaces alanine, which is neutral and non-polar, with valine, which is neutral and non-polar, at codon 450 of the TBX3 protein (p.Ala450Val). The frequency data for this variant in the population databases is considered unreliable, as metrics indicate poor data quality at this position in the gnomAD database. This variant has not been reported in the literature in individuals affected with TBX3-related conditions. ClinVar contains an entry for this variant (Variation ID: 2634466). An algorithm developed to predict the effect of missense changes on protein structure and function outputs the following: PolyPhen-2: "Benign". The valine amino acid residue is found in multiple mammalian species, which suggests that this missense change does not adversely affect protein function. In summary, the available evidence is currently insufficient to determine the role of this variant in disease. Therefore, it has been classified as a Variant of Uncertain Significance.

PreventionGenetics, part of Exact Sciences
Classification: Uncertain significance for TBX3-related condition. Last evaluated: 2024-08-28. Review status: no assertion criteria provided. Collection method: clinical testing. Allele origin: germline. Not counted in ClinVar's aggregate classification.
Comment: The TBX3 c.1409C>T variant is predicted to result in the amino acid substitution p.Ala470Val. To our knowledge, this variant has not been reported in the literature. This variant is reported in 0.0099% of alleles in individuals of East Asian descent in gnomAD. At this time, the clinical significance of this variant is uncertain due to the absence of conclusive functional and genetic evidence.